The following is an entry in ClinVar:

NM_001244008.2(KIF1A):c.2938G>A (p.Val980Met)

Gene: KIF1A (kinesin family member 1A; minus strand). Cytogenetic location: 2q37.3.
Variant type: single nucleotide variant.
Coding change: c.2938G>A on transcript NM_001244008.2 (MANE Select); coding-DNA position 2938, G replaced by A.
Protein change: p.Val980Met; replaces valine 980 with methionine.
Molecular consequence: missense variant.
Genome position (GRCh38, 1-based): chr2:240,750,468, C>T on the plus strand (G>A on the coding strand, the complement: KIF1A is on the minus strand). VCF-style: chr2-240750468-C-T. GRCh37 (hg19) VCF-style: chr2-241689885-C-T.
Other names: c.2662G>A, p.Val888Met (NM_001320705.2, NM_001330289.2, NM_001379638.1); c.2737G>A, p.Val913Met (NM_001330290.2, NM_001379634.1, NM_001379635.1 and 1 more transcripts); c.3013G>A, p.Val1005Met (NM_001379631.1); c.2887G>A, p.Val963Met (NM_001379632.1); c.2911G>A, p.Val971Met (NM_001379633.1, NM_001379642.1, NM_001379645.1); c.2635G>A, p.Val879Met (NM_001379636.1, NM_001379639.1, NM_001379640.1 and 6 more transcripts); c.2710G>A, p.Val904Met (NM_001379637.1, NM_001379648.1); short protein forms V1005M, V879M, V888M, V904M, V913M, V963M, V971M, V980M.
Identifiers: ClinVar variation 3753705 (VCV003753705.2).

ClinVar aggregate classification (germline): Uncertain significance (1 of 4 stars; one submission).

Conditions:
Neuropathy, hereditary sensory, type 2C. Also called: KIF1A-Related HSAN2 (HSAN2C); Hereditary sensory and autonomic neuropathy type IIC. Identifiers: Orphanet 970, MedGen C3280168, MONDO:0013634, OMIM 614213.
Hereditary spastic paraplegia 30. Identifiers: Orphanet 101010, MedGen C5235139, MONDO:0012476.
Intellectual disability, autosomal dominant 9 (NESCAVS). Also called: KIF1A-Related Neurodevelopmental Disorder; NESCAV SYNDROME. Identifiers: Orphanet 662367, MedGen C5393830, MONDO:0013656, OMIM 614255.

Submission:

Labcorp Genetics (formerly Invitae), Labcorp
Classification: Uncertain significance for Hereditary spastic paraplegia 30; Neuropathy, hereditary sensory, type 2C; Intellectual disability, autosomal dominant 9. Last evaluated: 2024-03-07. Review status: criteria provided, single submitter. Criteria: Invitae Variant Classification Sherloc (09022015). Collection method: clinical testing. Allele origin: germline.
Comment: This sequence change replaces valine, which is neutral and non-polar, with methionine, which is neutral and non-polar, at codon 879 of the KIF1A protein (p.Val879Met). This variant is not present in population databases (gnomAD no frequency). This variant has not been reported in the literature in individuals affected with KIF1A-related conditions. Advanced modeling of protein sequence and biophysical properties (such as structural, functional, and spatial information, amino acid conservation, physicochemical variation, residue mobility, and thermodynamic stability) has been performed at Invitae for this missense variant, however the output from this modeling did not meet the statistical confidence thresholds required to predict the impact of this variant on KIF1A protein function. In summary, the available evidence is currently insufficient to determine the role of this variant in disease. Therefore, it has been classified as a Variant of Uncertain Significance.